The following is an entry in ClinVar:

ClinVar aggregate classification (germline): Uncertain significance (1 of 4 stars; one submission).

Conditions:
Intellectual developmental disorder with seizures and language delay (IDDSELD). Identifiers: MedGen C5436574, MONDO:0033559, OMIM 619000.

Allele frequency attached by ClinVar (database versions not stated): TOPMed below 0.00001; gnomAD 0.00001.
gnomAD v4.1: 1 of 1,543,346 alleles (0.000065%); highest among the groups gnomAD compares: African/African-American, 0.0014%; no homozygotes.

Submission:

3billion
Classification: Uncertain significance for Intellectual developmental disorder with seizures and language delay. Last evaluated: 2022-09-01. Review status: criteria provided, single submitter. Criteria: ACMG Guidelines, 2015. Collection method: clinical testing. Allele origin: germline. Affected: yes. Observed: 1 heterozygote.
Comment: The variant is not observed in the gnomAD v2.1.1 dataset. Missense changes are a common disease-causing mechanism. Therefore, this variant is classified as uncertain significance according to the recommendation of ACMG/AMP guideline.

NM_001353345.2(SETD1B):c.4588C>T (p.Leu1530Phe)

Gene: SETD1B (SET domain containing 1B, histone lysine methyltransferase; plus strand). Cytogenetic location: 12q24.31.
Variant type: single nucleotide variant.
Coding change: c.4588C>T on transcript NM_001353345.2 (MANE Select); coding-DNA position 4588, C replaced by T.
Protein change: p.Leu1530Phe; replaces leucine 1530 with phenylalanine.
Molecular consequence: missense variant.
Genome position (GRCh38, 1-based): chr12:121,823,167, C>T. VCF-style: chr12-121823167-C-T. GRCh37 (hg19) VCF-style: chr12-122261073-C-T.
Other names: short protein forms L1530F.
Identifiers: ClinVar variation 1705379 (VCV001705379.1), dbSNP rs1195861322, ClinGen allele CA386999308.